The following is an entry in ClinVar:

ClinVar aggregate classification (germline): Uncertain significance (1 of 4 stars; one submission).

Submission:

Dasa
Classification: Uncertain significance. Last evaluated: 2025-06-17. Review status: criteria provided, single submitter. Criteria: DASA Assertion Criteria. Collection method: clinical testing. Allele origin: germline.
Comment: NM_000138.5(FBN1):c.6970G>T (p.Ala2324Ser) is a missense variant that results in the substitution of alanine with serine. This variant is absent from population databases. Computational prediction algorithms are consistent with a benign effect. The currently available literature and clinical evidence are not sufficient to establish a definitive association between this variant and the reported condition. Therefore, this variant is classified as a variant of uncertain significance.

NM_000138.5(FBN1):c.6970G>T (p.Ala2324Ser)

Gene: FBN1 (fibrillin 1; minus strand). Cytogenetic location: 15q21.1.
Variant type: single nucleotide variant.
Coding change: c.6970G>T on transcript NM_000138.5 (MANE Select); coding-DNA position 6970, G replaced by T.
Protein change: p.Ala2324Ser; replaces alanine 2324 with serine.
Molecular consequence: missense variant.
Genome position (GRCh38, 1-based): chr15:48,428,373, C>A on the plus strand (G>T on the coding strand, the complement: FBN1 is on the minus strand). VCF-style: chr15-48428373-C-A. GRCh37 (hg19) VCF-style: chr15-48720570-C-A.
Other names: c.6970G>T, p.Ala2324Ser (NM_001406716.1); short protein forms A2324S.
Identifiers: ClinVar variation 4883131 (VCV004883131.2).
Genomic context (GRCh38, chr15:48,428,373, plus strand): 5'-AGGTTAGGAAAGTGCGGTGCCAACTGTACTCACCAAGGCACTCGTCCTGGTTGGGGCTGG[C>A]GGTAAACCCATCATTACACTCACAGGTGTAGCTCCCACGGGTGTTGAGGCAGCGCCCATT-3'
Protein context (NP_000129.3, residues 2314-2334): YTCECNDGFT[Ala2324Ser]SPNQDECLDN